The following is an entry in ClinVar:

ClinVar aggregate classification (germline): Uncertain significance (1 of 4 stars; one submission).

Submission:

Labcorp Genetics (formerly Invitae), Labcorp
Classification: Uncertain significance. Last evaluated: 2023-11-24. Review status: criteria provided, single submitter. Criteria: Invitae Variant Classification Sherloc (09022015). Collection method: clinical testing. Allele origin: germline.
Comment: This sequence change replaces serine, which is neutral and polar, with leucine, which is neutral and non-polar, at codon 668 of the SETD5 protein (p.Ser668Leu). This variant is not present in population databases (gnomAD no frequency). This variant has not been reported in the literature in individuals affected with SETD5-related conditions. Advanced modeling of protein sequence and biophysical properties (such as structural, functional, and spatial information, amino acid conservation, physicochemical variation, residue mobility, and thermodynamic stability) performed at Invitae indicates that this missense variant is not expected to disrupt SETD5 protein function with a negative predictive value of 80%. In summary, the available evidence is currently insufficient to determine the role of this variant in disease. Therefore, it has been classified as a Variant of Uncertain Significance.

NM_001080517.3(SETD5):c.2003C>T (p.Ser668Leu)

Gene: SETD5 (SET domain containing 5; plus strand). Cytogenetic location: 3p25.3.
Variant type: single nucleotide variant.
Coding change: c.2003C>T on transcript NM_001080517.3 (MANE Select); coding-DNA position 2003, C replaced by T.
Protein change: p.Ser668Leu; replaces serine 668 with leucine.
Molecular consequence: missense variant.
Genome position (GRCh38, 1-based): chr3:9,447,906, C>T. VCF-style: chr3-9447906-C-T. GRCh37 (hg19) VCF-style: chr3-9489590-C-T.
Other names: c.1709C>T, p.Ser570Leu (NM_001292043.2, NM_001349451.2); short protein forms S570L, S668L.
Identifiers: ClinVar variation 2698458 (VCV002698458.3), dbSNP rs2125281306, ClinGen allele CA351699235.
Genomic context (GRCh38, chr3:9,447,906, plus strand): 5'-TGGAAGAGGGAGGAAGTAACAGTTTAGTAACTCCTACTGAAGCTGGAAGTCTAGACAGTT[C>T]AGGAGAAAACAGGCCATTAACAGGGTCTGACCCAACTGTGGTGTCAATTACTGGATCCCA-3'
Protein context (NP_001073986.1, residues 658-678): TPTEAGSLDS[Ser668Leu]GENRPLTGSD